The following is an entry in ClinVar:

ClinVar aggregate classification (germline): Uncertain significance (1 of 4 stars; one submission).

Allele frequency attached by ClinVar (database versions not stated): gnomAD 0.00001; gnomAD exomes 0.00002; TOPMed 0.00002; ExAC 0.00005.
gnomAD v4.1: 11 of 1,613,968 alleles (0.00068%); highest among the groups gnomAD compares: Admixed American, 0.018%; no homozygotes.

Submission:

Labcorp Genetics (formerly Invitae), Labcorp
Classification: Uncertain significance. Last evaluated: 2024-06-17. Review status: criteria provided, single submitter. Criteria: Invitae Variant Classification Sherloc (09022015). Collection method: clinical testing. Allele origin: germline.
Comment: This sequence change affects codon 155 of the PLVAP mRNA. It is a 'silent' change, meaning that it does not change the encoded amino acid sequence of the PLVAP protein. It affects a nucleotide within the consensus splice site. This variant is present in population databases (rs774636014, gnomAD 0.03%). This variant has not been reported in the literature in individuals affected with PLVAP-related conditions. ClinVar contains an entry for this variant (Variation ID: 1973484). Algorithms developed to predict the effect of sequence changes on RNA splicing suggest that this variant is not likely to affect RNA splicing. In summary, the available evidence is currently insufficient to determine the role of this variant in disease. Therefore, it has been classified as a Variant of Uncertain Significance.

NM_031310.3(PLVAP):c.465T>C (p.Asp155=)

Gene: PLVAP (plasmalemma vesicle associated protein; minus strand). Cytogenetic location: 19p13.11.
Variant type: single nucleotide variant.
Coding change: c.465T>C on transcript NM_031310.3 (MANE Select); coding-DNA position 465, T replaced by C.
Protein change: p.Asp155=; no amino-acid change (aspartic acid 155 retained).
Molecular consequence: synonymous variant.
Genome position (GRCh38, 1-based): chr19:17,366,100, A>G on the plus strand (T>C on the coding strand, the complement: PLVAP is on the minus strand). VCF-style: chr19-17366100-A-G. GRCh37 (hg19) VCF-style: chr19-17476909-A-G.
Identifiers: ClinVar variation 1973484 (VCV001973484.4), dbSNP rs774636014, ClinGen allele CA9294055.